The following is an entry in ClinVar:

NM_006031.6(PCNT):c.9752del (p.Pro3251fs)

Gene: PCNT (pericentrin; plus strand). Cytogenetic location: 21q22.3.
Variant type: Deletion.
Coding change: c.9752del on transcript NM_006031.6 (MANE Select); coding-DNA position 9752, one base deleted (C; older notation c.9752delC).
Protein change: p.Pro3251fs; shifts the reading frame from proline 3251.
Molecular consequence: frameshift variant.
Genome position (GRCh38, 1-based): chr21:46,443,861, C deleted; the last of 7 consecutive C bases (chr21:46,443,855-46,443,861); deleting any one gives the same sequence. VCF-style (leftmost placement, unchanged base first): chr21-46443854-TC-T. GRCh37 (hg19) VCF-style: chr21-47863767-TC-T.
Other names: c.9752delC (NM_006031.5); c.9161del, p.Pro3054fs (NM_001315529.2); short protein forms P3251fs, P3054fs.
Identifiers: ClinVar variation 3587752 (VCV003587752.4).

ClinVar aggregate classification (germline): Pathogenic/Likely pathogenic. Review status: criteria provided, multiple submitters, no conflicts (2 of 4 stars). 3 submissions from 3 submitters: Pathogenic (1); Likely pathogenic (2). Last evaluated 2025-11-24.

Conditions:
PCNT-related disorder. Also called: PCNT-related condition.
Microcephalic osteodysplastic primordial dwarfism type II (MOPD2). Also called: Microcephalic osteodysplastic primordial dwarfism with tooth abnormalities; MOPD II; OSTEODYSPLASTIC PRIMORDIAL DWARFISM, TYPE II. Identifiers: Orphanet 2637, MedGen C0432246, MONDO:0008872, OMIM 210720.

Submissions (3):

PreventionGenetics, part of Exact Sciences
Classification: Likely pathogenic for PCNT-related condition. Last evaluated: 2025-11-24. Review status: criteria provided, single submitter. Criteria: ACMG Guidelines, 2015. Collection method: clinical testing. Allele origin: germline.
Comment: The PCNT c.9752delC variant is predicted to result in a frameshift and premature protein termination (p.Pro3251Glnfs*39). To our knowledge, this variant has not been reported in the literature. This variant is reported in 0.0018% of alleles in individuals of European (Non-Finnish) descent in gnomAD. Frameshift variant in PCNT are expected to be pathogenic. This variant is interpreted as likely pathogenic.

Labcorp Genetics (formerly Invitae), Labcorp
Classification: Pathogenic. Last evaluated: 2024-02-28. Review status: criteria provided, single submitter. Criteria: Invitae Variant Classification Sherloc (09022015). Collection method: clinical testing. Allele origin: germline.
Comment: This sequence change creates a premature translational stop signal (p.Pro3251Glnfs*39) in the PCNT gene. It is expected to result in an absent or disrupted protein product. Loss-of-function variants in PCNT are known to be pathogenic (PMID: 18174396, 22821869). This variant is present in population databases (rs774129756, gnomAD 0.003%). This variant has not been reported in the literature in individuals affected with PCNT-related conditions. For these reasons, this variant has been classified as Pathogenic.

Fulgent Genetics
Classification: Likely pathogenic for Microcephalic osteodysplastic primordial dwarfism type II. Last evaluated: 2024-02-05. Review status: criteria provided, single submitter. Criteria: ACMG Guidelines, 2015. Collection method: clinical testing. Allele origin: germline.

Literature cited by the submitters: PubMed 18174396 (cited by Labcorp Genetics (formerly Invitae), Labcorp); PubMed 22821869 (cited by Labcorp Genetics (formerly Invitae), Labcorp).